The following is an entry in ClinVar:

ClinVar aggregate classification (germline): Likely benign (0 of 4 stars; one submission).

Conditions:
MACF1-related disorder. Also called: MACF1-related condition.

Submission:

PreventionGenetics, part of Exact Sciences
Classification: Likely benign for MACF1-related condition. Last evaluated: 2021-11-11. Review status: no assertion criteria provided. Collection method: clinical testing. Allele origin: germline.
Comment: This variant is classified as likely benign based on ACMG/AMP sequence variant interpretation guidelines (Richards et al. 2015 PMID: 25741868, with internal and published modifications).

NM_001394062.1(MACF1):c.809-10TC[3]

Gene: MACF1 (microtubule actin crosslinking factor 1; plus strand). Cytogenetic location: 1p34.3.
Variant type: Microsatellite.
Coding change: c.809-10TC[3] on transcript NM_001394062.1 (MANE Select); three copies in a row of the 2-base unit TC starting at c.809-10; the reference has four copies in a row; one copy, 2 bases deleted.
Molecular consequence: intron variant.
Genome position (GRCh38, 1-based): chr1:39,283,405-39,283,406, TC deleted; deleting any 2 consecutive bases within chr1:39,283,399-39,283,406 gives the same sequence; the position shown is the placement nearest the transcript's 3' end. VCF-style (leftmost placement, unchanged base first): chr1-39283398-TTC-T. GRCh37 (hg19) VCF-style: chr1-39749070-TTC-T.
Other names: c.824-10TC[3] (NM_012090.5); c.824-4_824-3delTC (NM_012090.5).
Identifiers: ClinVar variation 3043257 (VCV003043257.2), dbSNP rs762706950, ClinGen allele CA779290.
Genomic context (GRCh38, chr1:39,283,398, plus strand): 5'-GTATTCAGTATTCCTTCTTCTGGCAAGTTCCTTTGTTCTGACTAAGAAATTTCTTGTCCA[TTC>T]TCTCTCAGATGTGGATGTGCCATCTCCAGATGAAAAGTCTGTAATCACTTATGTGTCTTC-3'